The following is an entry in ClinVar:

NM_018249.6(CDK5RAP2):c.4727-192G>C

Gene: CDK5RAP2 (CDK5 regulatory subunit associated protein 2; minus strand). Cytogenetic location: 9q33.2.
Variant type: single nucleotide variant.
Coding change: c.4727-192G>C on transcript NM_018249.6 (MANE Select); 192 bases into the intron before coding-DNA position 4727, G replaced by C.
Molecular consequence: intron variant.
Genome position (GRCh38, 1-based): chr9:120,407,440, C>G on the plus strand (G>C on the coding strand, the complement: CDK5RAP2 is on the minus strand). VCF-style: chr9-120407440-C-G. GRCh37 (hg19) VCF-style: chr9-123169718-C-G.
Other names: c.4037-192G>C (NM_001272039.2); c.4726+907G>C (NM_001011649.3).
Identifiers: ClinVar variation 678319 (VCV000678319.2), dbSNP rs2282168, ClinGen allele CA13101573.

ClinVar aggregate classification (germline): Benign. Review status: criteria provided, multiple submitters, no conflicts (2 of 4 stars). 2 submissions from 2 submitters: Benign (2). Last evaluated 2018-06-16.

Allele frequency attached by ClinVar (database versions not stated): 1000 Genomes Project 30x 0.84432; 1000 Genomes Project 0.84605; TOPMed 0.81100.
gnomAD v4.1: 498,662 of 620,264 alleles (80%); highest among the groups gnomAD compares: East Asian, 88%; 201,019 homozygotes.

Submissions (2):

GeneDx
Classification: Benign. Last evaluated: 2018-06-16. Review status: criteria provided, single submitter. Criteria: GeneDx Variant Classification (06012015). Collection method: clinical testing. Allele origin: germline. Affected: yes.
Comment: This variant is considered likely benign or benign based on one or more of the following criteria: it is a conservative change, it occurs at a poorly conserved position in the protein, it is predicted to be benign by multiple in silico algorithms, and/or has population frequency not consistent with disease.

Breakthrough Genomics
Classification: Benign. Review status: criteria provided, single submitter. Criteria: ACMG Guidelines, 2015. Collection method: not provided. Allele origin: germline. Inheritance: Autosomal recessive inheritance. Affected: yes.